The following is an entry in ClinVar:

ClinVar aggregate classification (germline): Benign/Likely benign. Review status: criteria provided, multiple submitters, no conflicts (2 of 4 stars). 3 submissions from 3 submitters: Benign (2); Likely benign (1). Last evaluated 2026-01-25.

Conditions:
Methylmalonic acidemia with homocystinuria, type cblX (MAHCX). Also called: INTELLECTUAL DEVELOPMENTAL DISORDER, X-LINKED 3. Identifiers: Orphanet 369962, MedGen C0796208, MONDO:0010657, OMIM 309541.

Allele frequency attached by ClinVar (database versions not stated): 1000 Genomes Project 30x 0.00208; TOPMed 0.00336; ESP Exome Variant Server 0.00440.
gnomAD v4.1: 2,091 of 1,195,747 alleles (0.17%); highest among the groups gnomAD compares: African/African-American, 0.82%; 2 homozygotes.

Submissions (3):

Labcorp Genetics (formerly Invitae), Labcorp
Classification: Benign for Methylmalonic acidemia with homocystinuria, type cblX. Last evaluated: 2026-01-25. Review status: criteria provided, single submitter. Criteria: Invitae Variant Classification Sherloc (09022015). Collection method: clinical testing. Allele origin: germline.

Blueprint Genetics
Classification: Likely benign. Last evaluated: 2024-09-18. Review status: criteria provided, single submitter. Criteria: ACMG Guidelines, 2015. Collection method: clinical testing. Allele origin: germline.

GeneDx
Classification: Benign. Last evaluated: 2016-09-15. Review status: criteria provided, single submitter. Criteria: GeneDx Variant Classification (06012015). Collection method: clinical testing. Allele origin: germline. Affected: yes.
Comment: This variant is considered likely benign or benign based on one or more of the following criteria: it is a conservative change, it occurs at a poorly conserved position in the protein, it is predicted to be benign by multiple in silico algorithms, and/or has population frequency not consistent with disease.

NM_005334.3(HCFC1):c.6005-12C>T

Gene: HCFC1 (host cell factor C1; minus strand). Cytogenetic location: Xq28.
Variant type: single nucleotide variant.
Coding change: c.6005-12C>T on transcript NM_005334.3 (MANE Select); 12 bases into the intron before coding-DNA position 6005, C replaced by T.
Molecular consequence: intron variant.
Genome position (GRCh38, 1-based): chrX:153,949,628, G>A on the plus strand (C>T on the coding strand, the complement: HCFC1 is on the minus strand). VCF-style: chrX-153949628-G-A. GRCh37 (hg19) VCF-style: chrX-153215079-G-A.
Identifiers: ClinVar variation 386714 (VCV000386714.10), dbSNP rs181583112, ClinGen allele CA10556684.